The following is an entry in ClinVar:

ClinVar aggregate classification (germline): Uncertain significance (1 of 4 stars; one submission).

Conditions:
Congenital anomaly of kidney and urinary tract. Also called: Congenital anomalies of the kidney and urinary tract; Congenital anomalies of kidney and urinary tract. Identifiers: Orphanet 93545, MedGen C1968949, MeSH C566906, MONDO:0019719.
Congenital heart disease (CHD). Identifiers: MedGen C0152021, MONDO:0005453. Disease mechanism: unknown.

Submission:

Institute Of Molecular Biology And Genetics, Federal Almazov National Medical Research Centre
Classification: Uncertain significance for Congenital heart disease; Congenital anomaly of kidney and urinary tract. Last evaluated: 2026-04-01. Review status: criteria provided, single submitter. Criteria: ACMG Guidelines, 2015. Collection method: clinical testing. Allele origin: germline. Affected: yes. Observed: 1 variant allele.
Comment: The missense variant NM_005585.5:c.32G>C replaces arginine (polar, positively charged) with proline (non-polar) at codon 11 of the SMAD6 protein (p.Arg11Pro). The variat c.32G>C is absent in population databases (no allele frequency in gnomAD) (PM2), and multiple lines of computational evidence suggest the c.32G>C variant as a deleterious one (PP3). The available evidence is currently insufficient to determine the role of this variant in disease, therefore, it has been classified as a Variant of Uncertain Significance.

NM_005585.5(SMAD6):c.32G>C (p.Arg11Pro)

Gene: SMAD6 (SMAD family member 6; plus strand). Cytogenetic location: 15q22.31.
Variant type: single nucleotide variant.
Coding change: c.32G>C on transcript NM_005585.5 (MANE Select); coding-DNA position 32, G replaced by C.
Protein change: p.Arg11Pro; replaces arginine 11 with proline.
Molecular consequence: missense variant. On other transcripts: non-coding transcript variant (1).
Genome position (GRCh38, 1-based): chr15:66,703,290, G>C. VCF-style: chr15-66703290-G-C. GRCh37 (hg19) VCF-style: chr15-66995628-G-C.
Other names: p.Arg11Pro; short protein forms R11P.
Identifiers: ClinVar variation 4820342 (VCV004820342.1).